The following is an entry in ClinVar:

ClinVar aggregate classification (germline): Pathogenic/Likely pathogenic. Review status: criteria provided, multiple submitters, no conflicts (2 of 4 stars). 9 submissions from 9 submitters: Pathogenic (4); Likely pathogenic (3). 2 of the submissions do not count toward it. Last evaluated 2026-08-06.

Conditions:
ST3GAL5-related disorder. Also called: ST3GAL5-related condition.
GM3 synthase deficiency (SPDRS). Also called: AMISH INFANTILE EPILEPSY SYNDROME; SALT AND PEPPER MENTAL RETARDATION SYNDROME; SALT AND PEPPER DEVELOPMENTAL REGRESSION SYNDROME. Identifiers: Orphanet 171714, Orphanet 370933, MedGen C1836824, MONDO:0018274, OMIM 609056.

Allele frequency attached by ClinVar (database versions not stated): ExAC 0.00003; gnomAD 0.00011 and 0.00013; 1000 Genomes Project 0.00040; 1000 Genomes Project 30x 0.00047; gnomAD exomes 0.00001 and 0.00002; TOPMed 0.00008.
gnomAD v4.1: 32 of 1,614,062 alleles (0.002%); highest among the groups gnomAD compares: African/African-American, 0.043%; no homozygotes.

Submissions (9):

OLLIN Analises Genomicas, OLLIN
Classification: Likely pathogenic for GM3 synthase deficiency. Last evaluated: 2026-08-06. Review status: criteria provided, single submitter. Criteria: ACMG Guidelines 2015 PMID 25741868. Collection method: clinical testing. Allele origin: germline. Inheritance: Autosomal recessive inheritance.
Comment: This missense variant, located in exon 7 (of 7), has been reported in ClinVar (accession VCV000140575.14), in gnomAD with an allele frequency of 0.002%, and in the scientific literature, in compound heterozygosity, in individuals with ST3GAL5 related disorders (PMID: 30576498, 34906476, 24026681). Functional studies suggest that this variant may affect protein function, and in silico analysis predicts a deleterious effect (PMID: 30576498). According to the currently available evidence, this variant has been classified as likely pathogenic (PS3_P, PM2_P, PM3_S, PP3_M).

Greenwood Genetic Center Diagnostic Laboratories, Greenwood Genetic Center
Classification: Pathogenic for GM3 synthase deficiency. Last evaluated: 2026-06-23. Review status: criteria provided, single submitter. Criteria: ACMG Guidelines, 2015. Collection method: clinical testing. Allele origin: germline. Affected: yes.
Comment: PS3, PM2, PM3_Strong

Labcorp Genetics (formerly Invitae), Labcorp
Classification: Likely pathogenic for GM3 synthase deficiency. Last evaluated: 2026-01-19. Review status: criteria provided, single submitter. Criteria: Invitae Variant Classification Sherloc (09022015). Collection method: clinical testing. Allele origin: germline.
Comment: This sequence change replaces glutamic acid, which is acidic and polar, with lysine, which is basic and polar, at codon 355 of the ST3GAL5 protein (p.Glu355Lys). This variant is present in population databases (rs534438354, gnomAD 0.04%). This missense change has been observed in individual(s) with ST3GAL5-related conditions (PMID: 24026681, 34906476). It has also been observed to segregate with disease in related individuals. This variant is also known as c.994G>A, p.E332K. ClinVar contains an entry for this variant (Variation ID: 140575). Invitae Evidence Modeling of protein sequence and biophysical properties (such as structural, functional, and spatial information, amino acid conservation, physicochemical variation, residue mobility, and thermodynamic stability) has been performed for this missense variant. However, the output from this modeling did not meet the statistical confidence thresholds required to predict the impact of this variant on ST3GAL5 protein function. Experimental studies have shown that this missense change affects ST3GAL5 function (PMID: 30576498). In summary, the currently available evidence indicates that the variant is pathogenic, but additional data are needed to prove that conclusively. Therefore, this variant has been classified as Likely Pathogenic.

GeneDx
Classification: Likely pathogenic. Last evaluated: 2025-11-22. Review status: criteria provided, single submitter. Criteria: GeneDx Variant Classification Process June 2021. Collection method: clinical testing. Allele origin: germline. Affected: yes.
Comment: Published functional studies demonstrate that the variant results in loss of enzyme function (PMID: 30576498); In silico analysis supports that this missense variant has a deleterious effect on protein structure/function; Also known as p.(E332K); This variant is associated with the following publications: (PMID: 24026681, 35628171, 36833282, 37014712, 37676252, 34906476, 30576498)

Women's Health and Genetics/Laboratory Corporation of America, LabCorp
Classification: Pathogenic for GM3 synthase deficiency. Last evaluated: 2024-06-18. Review status: criteria provided, single submitter. Criteria: LabCorp Variant Classification Summary - May 2015. Collection method: clinical testing. Allele origin: germline.
Comment: Variant summary: ST3GAL5 c.1063G>A (p.Glu355Lys), also reported as E332K, results in a conservative amino acid change in the encoded protein sequence. Three of five in-silico tools predict a damaging effect of the variant on protein function. The variant allele was found at a frequency of 2e-05 in 251394 control chromosomes. c.1063G>A has been reported in the literature in the homozygous or presumed compound heterozygous states in multiple individuals affected with GM3 synthase deficiency (example, Boccuto_2014, Heide_2022). These data indicate that the variant is likely to be associated with disease. This variant was shown to lack detectable enzymatic activity in vitro and in patient cells (example, Indellicato_2019, Boccuto_2014). The following publications have been ascertained in the context of this evaluation (PMID: 24026681, 34906476, 30576498). ClinVar contains an entry for this variant (Variation ID: 140575). Based on the evidence outlined above, the variant was classified as pathogenic.

Blueprint Genetics
Classification: Pathogenic for ST3GAL5-related disorders. Last evaluated: 2023-10-08. Review status: criteria provided, single submitter. Criteria: ACMG Guidelines, 2015. Collection method: clinical testing. Allele origin: germline. Affected: yes. Observed: 1 variant allele.

Illumina Laboratory Services, Illumina
Classification: Pathogenic for GM3 synthase deficiency. Last evaluated: 2018-01-08. Review status: criteria provided, single submitter. Criteria: ICSLVariantClassificationCriteria RUGD 01 April 2020. Collection method: clinical testing. Allele origin: unknown.
Comment: The ST3GAL5 c.1063G>A p.(Glu355Lys) missense variant has been reported in the literature in three siblings of African American ancestry affected with salt and pepper developmental regression syndrome (Boccuto et al. 2014). The p.Glu355Lys variant was absent in 561 normal individuals from the same geographic area (South Carolina), of which 216 were African Americans. The c.1063G>A variant is not observed in version 2.1.1 of the Genome Aggregation Database. Functional studies conducted in patient cells, animal models, in vitro and structural modelling demonstrated that this variant impacts protein function (Boccuto et al. 2014). Based on the collective evidence the c.1063G>A p.(Glu355Lys) variant is classified as pathogenic for salt and pepper developmental regression syndrome.

OMIM
Classification: Pathogenic for SALT AND PEPPER DEVELOPMENTAL REGRESSION SYNDROME. Last evaluated: 2014-01-15. Review status: no assertion criteria provided. Collection method: literature only. Allele origin: germline. Not counted in ClinVar's aggregate classification.

Baylor Genetics
Classification: Uncertain significance for GM3 synthase deficiency. Last evaluated: 2020-02-27. Review status: flagged submission. Criteria: ACMG Guidelines, 2015. Collection method: clinical testing. Allele origin: unknown. Affected: yes. Not counted in ClinVar's aggregate classification.
Comment: This variant was determined to be of uncertain significance according to ACMG Guidelines, 2015 [PMID:25741868].
ClinVar note: Reason: Older and outlier claim with insufficient supporting evidence

Literature cited by the submitters: PubMed 30576498 (cited by 3 submitters); PubMed 34906476 (cited by 3 submitters); PubMed 24026681 (cited by 4 submitters); Saul, R. A., Wilkes, G., Stevenson, R. E. 'Salt-and-pepper' pigmentary changes with severe mental retardation: a new neurocutaneous syndrome? Proc. Greenwood Genet. Center 2: 6-9, 1983. (cited by OMIM).

NM_003896.4(ST3GAL5):c.1063G>A (p.Glu355Lys)

Gene: ST3GAL5 (ST3 beta-galactoside alpha-2,3-sialyltransferase 5; minus strand). Cytogenetic location: 2p11.2.
Variant type: single nucleotide variant.
Coding change: c.1063G>A on transcript NM_003896.4 (MANE Select); coding-DNA position 1063, G replaced by A.
Protein change: p.Glu355Lys; replaces glutamic acid 355 with lysine.
Molecular consequence: missense variant.
Genome position (GRCh38, 1-based): chr2:85,840,338, C>T on the plus strand (G>A on the coding strand, the complement: ST3GAL5 is on the minus strand). VCF-style: chr2-85840338-C-T. GRCh37 (hg19) VCF-style: chr2-86067461-C-T.
Other names: c.994G>A, p.Glu332Lys (NM_001042437.2); c.679G>A, p.Glu227Lys (NM_001354223.2, NM_001354224.2, NM_001354226.2 and 3 more transcripts); c.979G>A, p.Glu327Lys (NM_001354227.2, NM_001354229.2, NM_001354238.1); c.340G>A, p.Glu114Lys (NM_001354247.1); c.904G>A, p.Glu302Lys (NM_001363847.1); short protein forms E332K, E355K, E327K, E227K, E114K, E302K.
Identifiers: ClinVar variation 140575 (VCV000140575.16), dbSNP rs534438354, ClinGen allele CA163417.